The following is an entry in ClinVar:

ClinVar aggregate classification (germline): Pathogenic/Likely pathogenic. Review status: criteria provided, multiple submitters, no conflicts (2 of 4 stars). 8 submissions from 8 submitters: Pathogenic (4); Likely pathogenic (2). 2 of the submissions do not count toward it. Last evaluated 2026-04-21.

Conditions:
APOB-related disorder. Also called: APOB-related disorders; APOB-related condition.
Familial hypobetalipoproteinemia 1. Also called: APOB-Related Familial Hypobetalipoproteinemia; Hypobetalipoproteinemia, normotriglyceridemic; Acanthocytosis with hypobetalipoproteinemia. Identifiers: MedGen C4551990, MONDO:0014252, OMIM 615558.
Hypercholesterolemia, autosomal dominant, type B (FHCL2). Also called: APOLIPOPROTEIN B-100, FAMILIAL DEFECTIVE; APOLIPOPROTEIN B-100, FAMILIAL LIGAND-DEFECTIVE; APOB-Related Familial Hypercholesterolemia, Autosomal Dominant; Familial Hypercholesterolemia Type B; Familial hypercholesterolemia 2; HYPERCHOLESTEROLEMIA, FAMILIAL, DUE TO LIGAND-DEFECTIVE APOLIPOPROTEIN B. Identifiers: MedGen C1704417, MONDO:0007751, OMIM 144010.
Familial hypobetalipoproteinemia (FHBL). Also called: Hypobetalipoproteinemia, familial, associated with apob39; Hypobetalipoproteinemia, familial, associated with apob40; Hypobetalipoproteinemia, familial, associated with apob90 or apob89; Hypobetalipoproteinemia, familial, associated with apob46; Hypobetalipoproteinemia, familial, associated with apob87; Hypobetalipoproteinemia, familial, associated with apob31. Identifiers: MedGen C1862596.

Allele frequency attached by ClinVar (database versions not stated): gnomAD exomes 0.00003 and 0.00002; gnomAD 0.00001; ExAC 0.00002; TOPMed below 0.00001.
gnomAD v4.1: 42 of 1,613,928 alleles (0.0026%); highest among the groups gnomAD compares: Non-Finnish European, 0.0034%; no homozygotes.

Submissions (8):

Women's Health and Genetics/Laboratory Corporation of America, LabCorp
Classification: Pathogenic for Familial hypobetalipoproteinemia 1. Last evaluated: 2026-04-21. Review status: criteria provided, single submitter. Criteria: LabCorp Variant Classification Summary - May 2015. Collection method: clinical testing. Allele origin: germline.
Comment: Variant summary: APOB c.7564C>T (p.Arg2522X) results in a premature termination codon, predicted to cause a truncation of the encoded protein or absence of the protein due to nonsense mediated decay, which are commonly known mechanisms for disease. The variant allele was found at a frequency of 1.6e-05 in 251136 control chromosomes (gnomAD). c.7564C>T has been observed in individuals affected with Familial Hypobetalipoproteinemia 1 Dominant (e.g. Talmud_1992, Turk_2012). These data indicate that the variant is likely to be associated with disease. To our knowledge, no experimental evidence demonstrating an impact on protein function has been reported. The following publications have been ascertained in the context of this evaluation (PMID: 1424233, 22544856). ClinVar contains an entry for this variant (Variation ID: 17895). Based on the evidence outlined above, the variant was classified as pathogenic.

PreventionGenetics, part of Exact Sciences
Classification: Pathogenic for APOB-related condition. Last evaluated: 2026-02-24. Review status: criteria provided, single submitter. Criteria: ACMG Guidelines, 2015. Collection method: clinical testing. Allele origin: germline.
Comment: The APOB c.7564C>T variant is predicted to result in premature protein termination (p.Arg2522*). This variant has been reported in the heterozygous state in individuals with APOB-associated disease (reported as 'TGA STOP at codon Arg2495', Talmud et al. 1992. PubMed ID: 1424233; reported as p.R2495X, Turk et al. 2012. PubMed ID: 22544856; Supplemental Table, Pelusi et al. 2019. PubMed ID: 30842500). This variant is present in 0.0035% of alleles in individuals of European (Non-Finnish) descent in gnomAD. Nonsense variants in APOB are an established mechanism of disease. This variant is interpreted as pathogenic.

Labcorp Genetics (formerly Invitae), Labcorp
Classification: Pathogenic for Familial hypobetalipoproteinemia 1; Hypercholesterolemia, autosomal dominant, type B. Last evaluated: 2025-10-04. Review status: criteria provided, single submitter. Criteria: Invitae Variant Classification Sherloc (09022015). Collection method: clinical testing. Allele origin: germline.
Comment: This sequence change creates a premature translational stop signal (p.Arg2522*) in the APOB gene. It is expected to result in an absent or disrupted protein product. Loss-of-function variants in APOB are known to be pathogenic (PMID: 20032471). This variant is present in population databases (rs121918390, gnomAD 0.004%). This premature translational stop signal has been observed in individual(s) with clinical features of APOB-related conditions (PMID: 1424233, 22544856). ClinVar contains an entry for this variant (Variation ID: 17895). For these reasons, this variant has been classified as Pathogenic.

Revvity Omics, Revvity
Classification: Likely pathogenic. Last evaluated: 2024-04-04. Review status: criteria provided, single submitter. Criteria: ACMG Guidelines, 2015. Collection method: clinical testing. Allele origin: germline.

Blueprint Genetics
Classification: Likely pathogenic for APOB-related disorders. Last evaluated: 2023-12-22. Review status: criteria provided, single submitter. Criteria: ACMG Guidelines, 2015. Collection method: clinical testing. Allele origin: germline. Affected: yes. Observed: 1 variant allele.

Cardiovascular Genetics Laboratory, PathWest Laboratory Medicine WA - Fiona Stanley Hospital
Classification: Pathogenic for Familial hypobetalipoproteinemia 1. Last evaluated: 2023-09-11. Review status: criteria provided, single submitter. Criteria: ACMG Guidelines, 2015. Collection method: clinical testing. Allele origin: germline.
Comment: Established pathogenic variant ("apoB-55") for familial hypobetalipoproteinaemia (PMID:7554178;9543100). Legacy numbering Arg2495Ter.

Metabolic Liver Diseases Lab, Fondazione IRCCS Ca Granda Policlinico, University of Milan
Classification: Likely pathogenic for Familial hypobetalipoproteinemia 1. Last evaluated: 2018-12-01. Review status: no assertion criteria provided. Collection method: case-control. Allele origin: germline. Affected: yes. Observed: 1 variant allele. Not counted in ClinVar's aggregate classification.

OMIM
Classification: Pathogenic for HYPOBETALIPOPROTEINEMIA, FAMILIAL. Last evaluated: 1988-11-01. Review status: no assertion criteria provided. Collection method: literature only. Allele origin: germline. Not counted in ClinVar's aggregate classification.

Literature cited by the submitters: PubMed 1424233 (cited by Women's Health and Genetics/Laboratory Corporation of America, LabCorp and Labcorp Genetics (formerly Invitae), Labcorp); PubMed 22544856 (cited by Women's Health and Genetics/Laboratory Corporation of America, LabCorp and Labcorp Genetics (formerly Invitae), Labcorp); PubMed 20032471 (cited by Labcorp Genetics (formerly Invitae), Labcorp); PubMed 7554178 (cited by Cardiovascular Genetics Laboratory, PathWest Laboratory Medicine WA - Fiona Stanley Hospital); PubMed 30842500 (cited by Metabolic Liver Diseases Lab, Fondazione IRCCS Ca Granda Policlinico, University of Milan); PubMed 2903181 (cited by OMIM).

NM_000384.3(APOB):c.7564C>T (p.Arg2522Ter)

Gene: APOB (apolipoprotein B; minus strand). Cytogenetic location: 2p24.1.
Variant type: single nucleotide variant.
Coding change: c.7564C>T on transcript NM_000384.3 (MANE Select); coding-DNA position 7564, C replaced by T.
Protein change: p.Arg2522Ter; replaces arginine 2522 with a stop codon.
Molecular consequence: nonsense.
Genome position (GRCh38, 1-based): chr2:21,009,304, G>A on the plus strand (C>T on the coding strand, the complement: APOB is on the minus strand). VCF-style: chr2-21009304-G-A. GRCh37 (hg19) VCF-style: chr2-21232176-G-A.
Other names: R2495*; short protein forms R2522*.
Identifiers: ClinVar variation 17895 (VCV000017895.23), dbSNP rs121918390, ClinGen allele CA022919.